The following is an entry in ClinVar:

ClinVar aggregate classification (germline): Pathogenic/Likely pathogenic. Review status: criteria provided, multiple submitters, no conflicts (2 of 4 stars). 9 submissions from 8 submitters: Pathogenic (4); Likely pathogenic (3). 2 of the submissions do not count toward it. Last evaluated 2026-09-08.

Conditions:
Usher syndrome type 2A. Also called: USHER SYNDROME, TYPE IIA; RETINAL DISEASE IN USHER SYNDROME TYPE IIA, MODIFIER OF. Identifiers: Orphanet 231178, Orphanet 886, MedGen C1848634, MONDO:0010169, OMIM 276901.
Retinitis pigmentosa 39 (RP39). Identifiers: Orphanet 791, MedGen C3151138, MONDO:0013436, OMIM 613809.
USH2A-related disorder. Also called: USH2A-related disorders; USH2A-related condition. Identifiers: MedGen CN239332.

Allele frequency attached by ClinVar (database versions not stated): gnomAD exomes below 0.00001.
gnomAD v4.1: 4 of 1,612,332 alleles (0.00025%); highest among the groups gnomAD compares: Non-Finnish European, 0.00034%; no homozygotes.

Submissions (9):

PreventionGenetics, part of Exact Sciences
Classification: Pathogenic for USH2A-related condition. Last evaluated: 2026-09-08. Review status: criteria provided, single submitter. Criteria: ACMG Guidelines, 2015. Collection method: clinical testing. Allele origin: germline.
Comment: The USH2A c.10388-2A>G variant is predicted to disrupt the AG splice acceptor site and interfere with normal splicing. This variant has been identified in the compound heterozygous state in individuals from two families with Usher Syndrome and in one family, this variant segregated with the disease (Pater et al. 2019. PubMed ID: 31046701). This variant has not been reported in a large population database (gnomAD), indicating this variant is rare. Functional studies on the cDNA has confirmed that this variant activates a cryptic acceptor site, resulting in a premature stop codon (Pater et al. 2019. PubMed ID: 31046701). Variants that disrupt the consensus splice acceptor site in USH2A are expected to be pathogenic. This variant is interpreted as pathogenic.

Labcorp Genetics (formerly Invitae), Labcorp
Classification: Pathogenic. Last evaluated: 2025-11-12. Review status: criteria provided, single submitter. Criteria: Invitae Variant Classification Sherloc (09022015). Collection method: clinical testing. Allele origin: germline.
Comment: This sequence change affects an acceptor splice site in intron 52 of the USH2A gene. It is expected to disrupt RNA splicing. Variants that disrupt the donor or acceptor splice site typically lead to a loss of protein function (PMID: 16199547), and loss-of-function variants in USH2A are known to be pathogenic (PMID: 10729113, 10909849, 20507924, 25649381). This variant is not present in population databases (gnomAD no frequency). Disruption of this splice site has been observed in individuals with Usher syndrome (PMID: 28944237; internal data). ClinVar contains an entry for this variant (Variation ID: 554721). Algorithms developed to predict the effect of sequence changes on RNA splicing suggest that this variant may disrupt the consensus splice site. For these reasons, this variant has been classified as Pathogenic.

Fulgent Genetics
Classification: Likely pathogenic for Usher syndrome type 2A; Retinitis pigmentosa 39. Last evaluated: 2024-01-20. Review status: criteria provided, single submitter. Criteria: ACMG Guidelines, 2015. Collection method: clinical testing. Allele origin: germline.

Genome-Nilou Lab
Classification: Likely pathogenic for Retinitis pigmentosa 39. Last evaluated: 2023-04-11. Review status: criteria provided, single submitter. Criteria: ACMG Guidelines, 2015. Collection method: clinical testing. Allele origin: germline. Affected: no.

Genome-Nilou Lab
Classification: Likely pathogenic for Usher syndrome type 2A. Last evaluated: 2023-04-11. Review status: criteria provided, single submitter. Criteria: ACMG Guidelines, 2015. Collection method: clinical testing. Allele origin: germline. Affected: no.

Baylor Genetics
Classification: Pathogenic for Retinitis pigmentosa 39. Last evaluated: 2023-04-09. Review status: criteria provided, single submitter. Criteria: ACMG Guidelines, 2015. Collection method: clinical testing. Allele origin: unknown.

Blueprint Genetics
Classification: Pathogenic for USH2A-related disorders. Last evaluated: 2022-09-19. Review status: criteria provided, single submitter. Criteria: ACMG Guidelines, 2015. Collection method: clinical testing. Allele origin: germline. Affected: yes. Observed: 5 variant alleles.

Natera, Inc.
Classification: Pathogenic for Usher syndrome type 2A. Last evaluated: 2020-08-25. Review status: no assertion criteria provided. Collection method: clinical testing. Allele origin: germline. Not counted in ClinVar's aggregate classification.

Counsyl
Classification: Likely pathogenic for Usher syndrome type 2A; Retinitis pigmentosa 39. Last evaluated: 2017-11-02. Review status: no assertion criteria provided. Collection method: clinical testing. Allele origin: unknown. Not counted in ClinVar's aggregate classification.

Literature cited by the submitters: PubMed 16199547 (cited by Labcorp Genetics (formerly Invitae), Labcorp); PubMed 10729113 (cited by Labcorp Genetics (formerly Invitae), Labcorp); PubMed 10909849 (cited by Labcorp Genetics (formerly Invitae), Labcorp); PubMed 20507924 (cited by Labcorp Genetics (formerly Invitae), Labcorp); PubMed 25649381 (cited by Labcorp Genetics (formerly Invitae), Labcorp); PubMed 28944237 (cited by Labcorp Genetics (formerly Invitae), Labcorp).

NM_206933.4(USH2A):c.10388-2A>G

Gene: USH2A (usherin; minus strand). Cytogenetic location: 1q41.
Variant type: single nucleotide variant.
Coding change: c.10388-2A>G on transcript NM_206933.4 (MANE Select); the canonical splice acceptor site of the intron before coding-DNA position 10388, A replaced by G.
Molecular consequence: splice acceptor variant.
Genome position (GRCh38, 1-based): chr1:215,782,937, T>C on the plus strand (A>G on the coding strand, the complement: USH2A is on the minus strand). VCF-style: chr1-215782937-T-C. GRCh37 (hg19) VCF-style: chr1-215956279-T-C.
Identifiers: ClinVar variation 554721 (VCV000554721.19), dbSNP rs1553261479, ClinGen allele CA344838265.
Genomic context (GRCh38, chr1:215,782,937, plus strand): 5'-ATAGCTGTTCCAGGCAGAAATCCTGTACTCATATGTCATGTAGGGCTTGAGGTTCACATC[T>C]GGAAAGAGAAAAAATAGACAGGGAAGTTTCTCTTATTTTCATTTTTTAACCATCATATTA-3'